The following is an entry in ClinVar:

NM_001042681.2:c.-144-39763_522+14373del

Gene: RERE (arginine-glutamic acid dipeptide repeats; minus strand).
Variant type: Deletion.
Other names: c.-144-39763_522+14373del (NM_001042681.2).
Identifiers: ClinVar variation 4528933 (VCV004528933.1).

ClinVar aggregate classification (germline): Pathogenic (1 of 4 stars; one submission).

Conditions:
Neurodevelopmental disorder with or without anomalies of the brain, eye, or heart (NEDBEH). Identifiers: Orphanet 494344, MedGen C5567477, MONDO:0014857, OMIM 616975.

Submission:

Victorian Clinical Genetics Services, Murdoch Childrens Research Institute
Classification: Pathogenic for Neurodevelopmental disorder with or without anomalies of the brain, eye, or heart. Last evaluated: 2025-02-19. Review status: criteria provided, single submitter. Criteria: ACMG Guidelines, 2015. Collection method: clinical testing. Allele origin: germline. Affected: yes.
Comment: This variant is classified as PATHOGENIC. Evidence in support of pathogenic classification: Intragenic copy number variant involving the deletion of exons 2 to 4 (of 23) which includes the canonical translation initiation codon (ATG). Another variant comparable to the one identified in this case has limited previous evidence for pathogenicity. A deletion of exons 1-10 in this gene has been reported in a child with global developmental delay and mixed receptive-expressive language disorder (PMID: 29330883). Additional information: Loss of function is a known mechanism of disease in this gene and is associated with neurodevelopmental disorder with or without anomalies of the brain, eye, or heart (MIM#616975). This gene is associated with autosomal dominant disease. This variant is heterozygous. Variant is absent from gnomAD (SV v2, SV v4 and CNV v4). Previous evidence of pathogenicity for this variant is inconclusive. It has been reported as VUS and heterozygous in an individual with specific learning disability (DDD Study). No published segregation evidence has been identified for this variant. No published functional evidence has been identified for this variant.